The following is an entry in ClinVar:

ClinVar aggregate classification (germline): Uncertain significance. Review status: criteria provided, multiple submitters, no conflicts (2 of 4 stars). 5 submissions from 5 submitters: Uncertain significance (5). Last evaluated 2025-09-11.

Conditions:
Autoimmune lymphoproliferative syndrome, type III caused by mutation in PRKCD. Identifiers: Orphanet 3261, Orphanet 664711, MedGen C3809928, MONDO:8000024, OMIM 615559.
Inborn genetic diseases. Identifiers: MedGen C0950123, MeSH D030342.

Allele frequency attached by ClinVar (database versions not stated): gnomAD 0.00001 and 0.00002; ExAC 0.00002; TOPMed 0.00003; ESP Exome Variant Server 0.00008.

Submissions (5):

Mayo Clinic Laboratories, Mayo Clinic
Classification: Uncertain significance. Last evaluated: 2025-09-11. Review status: criteria provided, single submitter. Criteria: ACMG Guidelines, 2015. Collection method: clinical testing. Allele origin: germline. Observed: 1 variant allele.
Comment: PM2_supporting

Ambry Genetics
Classification: Uncertain significance for Inborn genetic diseases. Last evaluated: 2025-07-15. Review status: criteria provided, single submitter. Criteria: Ambry Variant Classification Scheme 2023. Collection method: clinical testing. Allele origin: germline.

Labcorp Genetics (formerly Invitae), Labcorp
Classification: Uncertain significance for Autoimmune lymphoproliferative syndrome, type III caused by mutation in PRKCD. Last evaluated: 2025-04-01. Review status: criteria provided, single submitter. Criteria: Invitae Variant Classification Sherloc (09022015). Collection method: clinical testing. Allele origin: germline.
Comment: This sequence change replaces aspartic acid, which is acidic and polar, with asparagine, which is neutral and polar, at codon 202 of the PRKCD protein (p.Asp202Asn). This variant is present in population databases (rs149165175, gnomAD 0.006%). This variant has not been reported in the literature in individuals affected with PRKCD-related conditions. ClinVar contains an entry for this variant (Variation ID: 569464). An algorithm developed to predict the effect of missense changes on protein structure and function (PolyPhen-2) suggests that this variant is likely to be disruptive. In summary, the available evidence is currently insufficient to determine the role of this variant in disease. Therefore, it has been classified as a Variant of Uncertain Significance.

Blueprint Genetics
Classification: Uncertain significance. Last evaluated: 2022-09-21. Review status: criteria provided, single submitter. Criteria: ACMG Guidelines, 2015. Collection method: clinical testing. Allele origin: germline.

Fulgent Genetics
Classification: Uncertain significance for Autoimmune lymphoproliferative syndrome, type III caused by mutation in PRKCD. Last evaluated: 2018-10-31. Review status: criteria provided, single submitter. Criteria: ACMG Guidelines, 2015. Collection method: clinical testing. Allele origin: unknown.

NM_006254.4(PRKCD):c.604G>A (p.Asp202Asn)

Gene: PRKCD (protein kinase C delta; plus strand). Cytogenetic location: 3p21.1.
Variant type: single nucleotide variant.
Coding change: c.604G>A on transcript NM_006254.4 (MANE Select); coding-DNA position 604, G replaced by A.
Protein change: p.Asp202Asn; replaces aspartic acid 202 with asparagine.
Molecular consequence: missense variant.
Genome position (GRCh38, 1-based): chr3:53,183,153, G>A. VCF-style: chr3-53183153-G-A. GRCh37 (hg19) VCF-style: chr3-53217169-G-A.
Other names: p.Asp202Asn; c.604G>A, p.Asp202Asn (NM_001316327.2, NM_001354679.2, NM_001354680.2 and 2 more transcripts); c.661G>A, p.Asp221Asn (NM_001354676.2); c.652G>A, p.Asp218Asn (NM_001354678.2); short protein forms D202N, D218N, D221N.
Identifiers: ClinVar variation 569464 (VCV000569464.8), dbSNP rs149165175, ClinGen allele CA2451896.
Genomic context (GRCh38, chr3:53,183,153, plus strand): 5'-CCCCCTCCTGGGCCTGTGCCTCTTCAAGAATGTAACGCTGCCATCCACAAGAAATGCATC[G>A]ACAAGATCATCGGCAGATGCACTGGCACCGCGGCCAACAGCCGGGACACTATAGTGAGCC-3'
Protein context (NP_006245.2, residues 192-212): CNAAIHKKCI[Asp202Asn]KIIGRCTGTA